The following is an entry in ClinVar:

NM_025114.4(CEP290):c.58C>T (p.Arg20Cys)

Gene: CEP290 (centrosomal protein 290; minus strand). Cytogenetic location: 12q21.32.
Variant type: single nucleotide variant.
Coding change: c.58C>T on transcript NM_025114.4 (MANE Select); coding-DNA position 58, C replaced by T.
Protein change: p.Arg20Cys; replaces arginine 20 with cysteine.
Molecular consequence: missense variant.
Genome position (GRCh38, 1-based): chr12:88,141,250, G>A on the plus strand (C>T on the coding strand, the complement: CEP290 is on the minus strand). VCF-style: chr12-88141250-G-A. GRCh37 (hg19) VCF-style: chr12-88535027-G-A.
Other names: short protein forms R20C.
Identifiers: ClinVar variation 955126 (VCV000955126.11), dbSNP rs779867970, ClinGen allele CA6712926.
Genomic context (GRCh38, chr12:88,141,250, plus strand): 5'-TTGACCAATTAAGCACCTTGGATAAGGAAATCAATAAATTATCTGCCAGTTCTTCTTGAC[G>A]GGGCAGGTCATCTGGGTCAACTTTCATTATTTCTTTCCAGTTTATATTAGGTGGCATCTT-3'
Protein context (NP_079390.3, residues 10-30): IMKVDPDDLP[Arg20Cys]QEELADNLLI

ClinVar aggregate classification (germline): Uncertain significance. Review status: criteria provided, multiple submitters, no conflicts (2 of 4 stars). 4 submissions from 4 submitters: Uncertain significance (2). 2 of the submissions do not count toward it. Last evaluated 2021-09-01.

Conditions:
CEP290-related disorder. Also called: CEP290-related condition; CEP290-related disorders. Identifiers: MedGen CN239314.
Leber congenital amaurosis (LCA). Also called: Leber's amaurosis. Identifiers: Orphanet 65, MedGen C0339527, MeSH D057130, MONDO:0018998.
Meckel-Gruber syndrome. Also called: DYSENCEPHALIA SPLANCHNOCYSTICA; GRUBER SYNDROME; Dysencephalia splachnocystica. Identifiers: Orphanet 564, MedGen C0265215, MONDO:0018921.
Joubert syndrome. Also called: Familial aplasia of the vermis; JOUBERT-BOLTSHAUSER SYNDROME. Identifiers: Orphanet 475, MedGen C5979921, MONDO:0018772.
Nephronophthisis. Also called: Juvenile Nephronophthisis. Identifiers: Orphanet 655, MedGen C0687120, MONDO:0019005, HP:0000090.

Allele frequency attached by ClinVar (database versions not stated): gnomAD exomes below 0.00001 and 0.00001; ExAC 0.00001.
gnomAD v4.1: 9 of 1,610,538 alleles (0.00056%); highest among the groups gnomAD compares: South Asian, 0.0011%; no homozygotes.

Submissions (4):

Labcorp Genetics (formerly Invitae), Labcorp
Classification: Uncertain significance for Joubert syndrome; Meckel-Gruber syndrome; Nephronophthisis. Last evaluated: 2021-09-01. Review status: criteria provided, single submitter. Criteria: Invitae Variant Classification Sherloc (09022015). Collection method: clinical testing. Allele origin: germline.
Comment: This sequence change replaces arginine with cysteine at codon 20 of the CEP290 protein (p.Arg20Cys). The arginine residue is moderately conserved and there is a large physicochemical difference between arginine and cysteine. This variant is present in population databases (rs779867970, ExAC 0.006%). This variant has not been reported in the literature in individuals affected with CEP290-related conditions. Algorithms developed to predict the effect of missense changes on protein structure and function are either unavailable or do not agree on the potential impact of this missense change (SIFT: "Deleterious"; PolyPhen-2: "Possibly Damaging"; Align-GVGD: "Class C0"). In summary, the available evidence is currently insufficient to determine the role of this variant in disease. Therefore, it has been classified as a Variant of Uncertain Significance.

Blueprint Genetics
Classification: Uncertain significance. Last evaluated: 2018-03-14. Review status: criteria provided, single submitter. Criteria: ACMG Guidelines, 2015. Collection method: clinical testing. Allele origin: germline.

PreventionGenetics, part of Exact Sciences
Classification: Uncertain significance for CEP290-related condition. Last evaluated: 2024-03-22. Review status: no assertion criteria provided. Collection method: clinical testing. Allele origin: germline. Not counted in ClinVar's aggregate classification.
Comment: The CEP290 c.58C>T variant is predicted to result in the amino acid substitution p.Arg20Cys. To our knowledge, this variant has not been reported in the literature. This variant is reported in 0.0034% of alleles in individuals of South Asian descent in gnomAD. At this time, the clinical significance of this variant is uncertain due to the absence of conclusive functional and genetic evidence.

Natera, Inc.
Classification: Uncertain significance for Leber congenital amaurosis. Last evaluated: 2020-09-16. Review status: no assertion criteria provided. Collection method: clinical testing. Allele origin: germline. Not counted in ClinVar's aggregate classification.